The following is an entry in ClinVar:

ClinVar aggregate classification (germline): Benign/Likely benign. Review status: criteria provided, multiple submitters, no conflicts (2 of 4 stars). 5 submissions from 5 submitters: Benign (1); Likely benign (3). 1 of the submissions does not count toward it. Last evaluated 2025-12-16.

Conditions:
KMT2D-related disorder. Also called: KMT2D-Related Disorders.
Kabuki syndrome. Also called: NIIKAWA-KUROKI SYNDROME; Kabuki make-up syndrome. Identifiers: Orphanet 2322, MedGen C0796004, MONDO:0016512.

Allele frequency attached by ClinVar (database versions not stated): ExAC 0.00004; gnomAD 0.00014 and 0.00016; gnomAD exomes 0.00001 and 0.00003; TOPMed 0.00017; ESP Exome Variant Server 0.00024.
gnomAD v4.1: 35 of 1,613,848 alleles (0.0022%); highest among the groups gnomAD compares: African/African-American, 0.044%; no homozygotes.

Submissions (5):

Labcorp Genetics (formerly Invitae), Labcorp
Classification: Likely benign for Kabuki syndrome. Last evaluated: 2025-12-16. Review status: criteria provided, single submitter. Criteria: Invitae Variant Classification Sherloc (09022015). Collection method: clinical testing. Allele origin: germline.

Mendelics
Classification: Benign. Last evaluated: 2022-05-04. Review status: criteria provided, single submitter. Criteria: Mendelics Assertion Criteria 2019. Collection method: clinical testing. Allele origin: germline.

GeneDx
Classification: Likely benign. Last evaluated: 2020-11-18. Review status: criteria provided, single submitter. Criteria: GeneDx Variant Classification Process June 2021. Collection method: clinical testing. Allele origin: germline. Affected: yes.
Comment: See Variant Classification Assertion Criteria.

Breakthrough Genomics
Classification: Likely benign. Review status: criteria provided, single submitter. Criteria: ACMG Guidelines, 2015. Collection method: not provided. Allele origin: germline. Inheritance: Autosomal dominant inheritance. Affected: yes.

PreventionGenetics, part of Exact Sciences
Classification: Likely benign for KMT2D-related condition. Last evaluated: 2023-03-16. Review status: no assertion criteria provided. Collection method: clinical testing. Allele origin: germline. Not counted in ClinVar's aggregate classification.
Comment: This variant is classified as likely benign based on ACMG/AMP sequence variant interpretation guidelines (Richards et al. 2015 PMID: 25741868, with internal and published modifications).

NM_003482.4(KMT2D):c.626C>T (p.Thr209Ile)

Gene: KMT2D (lysine methyltransferase 2D; minus strand). Cytogenetic location: 12q13.12.
Variant type: single nucleotide variant.
Coding change: c.626C>T on transcript NM_003482.4 (MANE Select); coding-DNA position 626, C replaced by T.
Protein change: p.Thr209Ile; replaces threonine 209 with isoleucine.
Molecular consequence: missense variant.
Genome position (GRCh38, 1-based): chr12:49,054,025, G>A on the plus strand (C>T on the coding strand, the complement: KMT2D is on the minus strand). VCF-style: chr12-49054025-G-A. GRCh37 (hg19) VCF-style: chr12-49447808-G-A.
Other names: short protein forms T209I.
Identifiers: ClinVar variation 1563926 (VCV001563926.13), dbSNP rs373972024, ClinGen allele CA6548689.